The following is an entry in ClinVar:

ClinVar aggregate classification (germline): Pathogenic/Likely pathogenic. Review status: criteria provided, multiple submitters, no conflicts (2 of 4 stars). 6 submissions from 6 submitters: Pathogenic (3); Likely pathogenic (2). 1 of the submissions does not count toward it. Last evaluated 2024-09-10.

Conditions:
Glycine encephalopathy. Also called: Nonketotic hyperglycinemia; Non-ketotic hyperglycinemia. Identifiers: Orphanet 407, MedGen C0751748, MONDO:0011612, HP:0008288.
Glycine encephalopathy 1 (GCE1). Identifiers: MedGen CN376801, MONDO:0958179, OMIM 605899.

Allele frequency attached by ClinVar (database versions not stated): gnomAD exomes below 0.00001; gnomAD 0.00001; TOPMed 0.00001.
gnomAD v4.1: 3 of 1,613,456 alleles (0.00019%); highest among the groups gnomAD compares: Non-Finnish European, 0.00025%; no homozygotes.

Submissions (6):

GeneDx
Classification: Pathogenic. Last evaluated: 2024-09-10. Review status: criteria provided, single submitter. Criteria: GeneDx Variant Classification Process June 2021. Collection method: clinical testing. Allele origin: germline. Affected: yes.
Comment: Nonsense variant predicted to result in protein truncation or nonsense mediated decay in a gene for which loss of function is a known mechanism of disease; Not observed at significant frequency in large population cohorts (gnomAD); This variant is associated with the following publications: (PMID: 27362913)

Fulgent Genetics
Classification: Likely pathogenic for Glycine encephalopathy 1. Last evaluated: 2024-06-12. Review status: criteria provided, single submitter. Criteria: ACMG Guidelines, 2015. Collection method: clinical testing. Allele origin: germline.

Labcorp Genetics (formerly Invitae), Labcorp
Classification: Pathogenic for Glycine encephalopathy. Last evaluated: 2023-11-08. Review status: criteria provided, single submitter. Criteria: Invitae Variant Classification Sherloc (09022015). Collection method: clinical testing. Allele origin: germline.
Comment: This sequence change creates a premature translational stop signal (p.Lys872*) in the GLDC gene. It is expected to result in an absent or disrupted protein product. Loss-of-function variants in GLDC are known to be pathogenic (PMID: 16601880). This variant is not present in population databases (gnomAD no frequency). This premature translational stop signal has been observed in individuals with non-ketotic hyperglycinaemia (PMID: 27362913). ClinVar contains an entry for this variant (Variation ID: 462877). For these reasons, this variant has been classified as Pathogenic.

Women's Health and Genetics/Laboratory Corporation of America, LabCorp
Classification: Likely pathogenic for Non-ketotic hyperglycinemia. Last evaluated: 2018-05-25. Review status: criteria provided, single submitter. Criteria: LabCorp Variant Classification Summary - May 2015. Collection method: clinical testing. Allele origin: germline.
Comment: Variant summary: GLDC c.2614A>T (p.Lys872X) results in a premature termination codon, predicted to cause a truncation of the encoded protein or absence of the protein due to nonsense mediated decay, which are commonly known mechanisms for disease. A truncation downstream of this position has been classified as pathogenic by our laboratory (c.2891dupA (p.Tyr964X)). The variant was absent in 246210 control chromosomes (in gnomAD). c.2614A>T has been reported in the literature in individuals affected with Glycine Encephalopathy (Non-Ketotic Hyperglycinemia) (Coughlin 2017). These data indicate that the variant may be associated with disease. To our knowledge, no experimental evidence demonstrating an impact on protein function has been reported. One clinical diagnostic laboratory has submitted clinical-significance assessments for this variant to ClinVar after 2014 without evidence for independent evaluation and classified the variant as pathogenic. Based on the evidence outlined above, the variant was classified as likely pathogenic.

Rady Children's Institute for Genomic Medicine, Rady Children's Hospital San Diego
Classification: Pathogenic for GLYCINE ENCEPHALOPATHY. Review status: criteria provided, single submitter. Criteria: ACMG Guidelines, 2015. Collection method: clinical testing. Allele origin: germline. Affected: yes.
Comment: This nonsense variant found in exon 22 of 25 is predicted to result in loss of normal protein function through either protein truncation or nonsense-mediated mRNA decay (NMD). This variant has been previously reported together with a second variant in GLDC in two individuals with nonketotic hyperglycinemia (PMID: 27362913). In particular, in one individual, the c.2614A>T was in trans with a two exon deletion (PMID: 27362913). It is absent from the gnomAD population database and thus is presumed to be rare. Based on the available evidence, the c.2614A>T (p.Lys872Ter) variant is classified as Pathogenic.

Counsyl
Classification: Pathogenic for Glycine encephalopathy 1. Last evaluated: 2017-10-24. Review status: no assertion criteria provided. Collection method: clinical testing. Allele origin: unknown. Not counted in ClinVar's aggregate classification.

Literature cited by the submitters: PubMed 16601880 (cited by Labcorp Genetics (formerly Invitae), Labcorp); PubMed 27362913 (cited by 3 submitters).

NM_000170.3(GLDC):c.2614A>T (p.Lys872Ter)

Gene: GLDC (glycine decarboxylase; minus strand). Cytogenetic location: 9p24.1.
Variant type: single nucleotide variant.
Coding change: c.2614A>T on transcript NM_000170.3 (MANE Select); coding-DNA position 2614, A replaced by T.
Protein change: p.Lys872Ter; replaces lysine 872 with a stop codon.
Molecular consequence: nonsense.
Genome position (GRCh38, 1-based): chr9:6,540,102, T>A on the plus strand (A>T on the coding strand, the complement: GLDC is on the minus strand). VCF-style: chr9-6540102-T-A. GRCh37 (hg19) VCF-style: chr9-6540102-T-A.
Other names: short protein forms K872*.
Identifiers: ClinVar variation 462877 (VCV000462877.15), dbSNP rs1430968530, ClinGen allele CA372883626.